The following is an entry in ClinVar:

NM_002335.4(LRP5):c.695T>C (p.Val232Ala)

Gene: LRP5 (LDL receptor related protein 5; plus strand). Cytogenetic location: 11q13.2.
Variant type: single nucleotide variant.
Coding change: c.695T>C on transcript NM_002335.4 (MANE Select); coding-DNA position 695, T replaced by C.
Protein change: p.Val232Ala; replaces valine 232 with alanine.
Molecular consequence: missense variant. On other transcripts: 5 prime UTR variant (1).
Genome position (GRCh38, 1-based): chr11:68,363,755, T>C. VCF-style: chr11-68363755-T-C. GRCh37 (hg19) VCF-style: chr11-68131223-T-C.
Other names: c.-1071T>C (NM_001291902.2); short protein forms V232A.
Identifiers: ClinVar variation 839620 (VCV000839620.9), dbSNP rs1472661046, ClinGen allele CA381610917.
Genomic context (GRCh38, chr11:68,363,755, plus strand): 5'-ACTGTCGGGGGACCCTCCTGATGGCTCCTCCACCCCGCTTCCCTGACTGCAGGCAGAAGG[T>C]GGTGGAGGGCAGCCTGACGCACCCCTTCGCCCTGACGCTCTCCGGGGACACTCTGTACTG-3'
Protein context (NP_002326.2, residues 222-242): ANLDGSFRQK[Val232Ala]VEGSLTHPFA

ClinVar aggregate classification (germline): Uncertain significance. Review status: criteria provided, multiple submitters, no conflicts (2 of 4 stars). 3 submissions from 3 submitters: Uncertain significance (3). Last evaluated 2025-09-10.

Conditions:
LRP5-related disorder. Also called: LRP5-related condition.
Polycystic liver disease 4 with or without kidney cysts. Identifiers: MedGen C4693479, MONDO:0044327, OMIM 617875.
Osteoporosis with pseudoglioma (OPPG). Also called: osteoporosis-pseudoglioma syndrome. Identifiers: Orphanet 2788, MedGen C0432252, MONDO:0009820, OMIM 259770.
Exudative vitreoretinopathy 4 (EVR4). Identifiers: Orphanet 891, MedGen C1866176, MONDO:0011151, OMIM 601813.
Autosomal dominant osteopetrosis 1 (OPTA1). Also called: OSTEOPETROSIS, AUTOSOMAL DOMINANT, TYPE I. Identifiers: Orphanet 2783, MedGen C1843330, MONDO:0011877, OMIM 607634.
Worth disease. Also called: ENDOSTEAL HYPEROSTOSIS, AUTOSOMAL DOMINANT; OSTEOSCLEROSIS, AUTOSOMAL DOMINANT; Autosomal dominant osteosclerosis, Worth type. Identifiers: Orphanet 2790, MedGen C0432273, MONDO:0007764, OMIM 144750.
Bone mineral density quantitative trait locus 1 (BMND1). Identifiers: MedGen C1866079, OMIM 601884.

Allele frequency attached by ClinVar (database versions not stated): gnomAD exomes below 0.00001 and 0.00003.
gnomAD v4.1: 47 of 1,608,988 alleles (0.0029%); highest among the groups gnomAD compares: Non-Finnish European, 0.004%; no homozygotes.

Submissions (3):

PreventionGenetics, part of Exact Sciences
Classification: Uncertain significance for LRP5-related condition. Last evaluated: 2025-09-10. Review status: criteria provided, single submitter. Criteria: ACMG Guidelines, 2015. Collection method: clinical testing. Allele origin: germline.
Comment: The LRP5 c.695T>C variant is predicted to result in the amino acid substitution p.Val232Ala. To our knowledge, this variant has not been reported in the literature. This variant is reported in 0.00091% of alleles in individuals of European (Non-Finnish) descent in gnomAD. At this time, the clinical significance of this variant is uncertain due to the absence of conclusive functional and genetic evidence.

Labcorp Genetics (formerly Invitae), Labcorp
Classification: Uncertain significance. Last evaluated: 2025-03-19. Review status: criteria provided, single submitter. Criteria: Invitae Variant Classification Sherloc (09022015). Collection method: clinical testing. Allele origin: germline.
Comment: This sequence change replaces valine, which is neutral and non-polar, with alanine, which is neutral and non-polar, at codon 232 of the LRP5 protein (p.Val232Ala). The frequency data for this variant in the population databases is considered unreliable, as metrics indicate poor data quality at this position in the gnomAD database. This variant has not been reported in the literature in individuals affected with LRP5-related conditions. ClinVar contains an entry for this variant (Variation ID: 839620). Invitae Evidence Modeling of protein sequence and biophysical properties (such as structural, functional, and spatial information, amino acid conservation, physicochemical variation, residue mobility, and thermodynamic stability) indicates that this missense variant is expected to disrupt LRP5 protein function with a positive predictive value of 80%. In summary, the available evidence is currently insufficient to determine the role of this variant in disease. Therefore, it has been classified as a Variant of Uncertain Significance.

Fulgent Genetics
Classification: Uncertain significance for Worth disease; Osteoporosis with pseudoglioma; Exudative vitreoretinopathy 4; Bone mineral density quantitative trait locus 1; Autosomal dominant osteopetrosis 1; Polycystic liver disease 4 with or without kidney cysts. Last evaluated: 2024-05-12. Review status: criteria provided, single submitter. Criteria: ACMG Guidelines, 2015. Collection method: clinical testing. Allele origin: germline.